The following is an entry in ClinVar:

NM_153676.4(USH1C):c.1215T>G (p.Phe405Leu)

Gene: USH1C (USH1 protein network component harmonin; minus strand). Cytogenetic location: 11p15.1.
Variant type: single nucleotide variant.
Coding change: c.1215T>G on transcript NM_153676.4 (MANE Select); coding-DNA position 1215, T replaced by G.
Protein change: p.Phe405Leu; replaces phenylalanine 405 with leucine.
Molecular consequence: missense variant. On other transcripts: intron variant (2).
Genome position (GRCh38, 1-based): chr11:17,516,286, A>C on the plus strand (T>G on the coding strand, the complement: USH1C is on the minus strand). VCF-style: chr11-17516286-A-C. GRCh37 (hg19) VCF-style: chr11-17537833-A-C.
Other names: c.1227+1115T>G (NM_001297764.2); c.1284+1115T>G (NM_005709.4); short protein forms F405L.
Identifiers: ClinVar variation 3375605 (VCV003375605.1).

ClinVar aggregate classification (germline): Uncertain significance (1 of 4 stars; one submission).

gnomAD v4.1: 3 of 1,613,102 alleles (0.00019%); highest among the groups gnomAD compares: Admixed American, 0.005%; no homozygotes.

Submission:

GeneDx
Classification: Uncertain significance. Last evaluated: 2024-05-09. Review status: criteria provided, single submitter. Criteria: GeneDx Variant Classification Process June 2021. Collection method: clinical testing. Allele origin: germline. Affected: yes.
Comment: Not observed at significant frequency in large population cohorts (gnomAD); In silico analysis supports that this missense variant does not alter protein structure/function; Has not been previously published as pathogenic or benign to our knowledge; Reported using an alternate transcript of the gene